The following is an entry in ClinVar:

NM_000054.7(AVPR2):c.500C>T (p.Ser167Leu)

Gene: AVPR2 (arginine vasopressin receptor 2; plus strand). Cytogenetic location: Xq28.
Variant type: single nucleotide variant.
Coding change: c.500C>T on transcript NM_000054.7 (MANE Select); coding-DNA position 500, C replaced by T.
Protein change: p.Ser167Leu; replaces serine 167 with leucine.
Molecular consequence: missense variant.
Genome position (GRCh38, 1-based): chrX:153,906,006, C>T. VCF-style: chrX-153906006-C-T. GRCh37 (hg19) VCF-style: chrX-153171460-C-T.
Other names: c.500C>T, p.Ser167Leu (NM_001146151.3); short protein forms S167L.
Identifiers: ClinVar variation 835351 (VCV000835351.12), dbSNP rs1557100701, ClinGen allele CA415106647.
Genomic context (GRCh38, chrX:153,906,006, plus strand): 5'-CGTACCGCCATGGAAGTGGGGCTCACTGGAACCGGCCGGTGCTAGTGGCTTGGGCCTTCT[C>T]GCTCCTTCTCAGCCTGCCCCAGCTCTTCATCTTCGCCCAGCGCAACGTGGAAGGTGGCAG-3'
Protein context (NP_000045.1, residues 157-177): NRPVLVAWAF[Ser167Leu]LLLSLPQLFI

ClinVar aggregate classification (germline): Pathogenic/Likely pathogenic. Review status: criteria provided, multiple submitters, no conflicts (2 of 4 stars). 4 submissions from 4 submitters: Pathogenic (2); Likely pathogenic (1). 1 of the submissions does not count toward it. Last evaluated 2025-09-01.

Conditions:
Diabetes insipidus, nephrogenic, X-linked. Also called: Nephrogenic Diabetes Insipidus, Type I. Identifiers: Orphanet 223, MedGen C1563705, MONDO:0010581, OMIM 304800.
Hereditary isolated diabetes insipidus.

Submissions (4):

Labcorp Genetics (formerly Invitae), Labcorp
Classification: Pathogenic. Last evaluated: 2025-09-01. Review status: criteria provided, single submitter. Criteria: Invitae Variant Classification Sherloc (09022015). Collection method: clinical testing. Allele origin: germline.
Comment: This sequence change replaces serine, which is neutral and polar, with leucine, which is neutral and non-polar, at codon 167 of the AVPR2 protein (p.Ser167Leu). This variant is not present in population databases (gnomAD no frequency). This missense change has been observed in individuals with nephrogenic diabetes insipidus (PMID: 7913579, 10820168, 19488606). This variant is also known as c.571C>T. ClinVar contains an entry for this variant (Variation ID: 835351). Invitae Evidence Modeling of protein sequence and biophysical properties (such as structural, functional, and spatial information, amino acid conservation, physicochemical variation, residue mobility, and thermodynamic stability) indicates that this missense variant is expected to disrupt AVPR2 protein function with a positive predictive value of 80%. Experimental studies have shown that this missense change affects AVPR2 function (PMID: 16006591, 19587238). For these reasons, this variant has been classified as Pathogenic.

Pediatrics, West China Second University Hospital, Sichuan University
Classification: Pathogenic for Diabetes insipidus, nephrogenic, X-linked. Last evaluated: 2025-08-20. Review status: criteria provided, single submitter. Criteria: ACMG Guidelines, 2015. Collection method: clinical testing. Allele origin: germline. Affected: yes.
Comment: The NM_000054.7, c.500C>T, is a missense variant in AVPR2 which is predicted to result in a substitution from Serine to Leucine at position 500. This variant was found in a proband with diabetes insipidus, nephrogenic, which is a highly specific phenotype for nephrogenic diabetes insipidus (PP4). This interpretation is supported by previous reports of the variant in three patients with diabetes insipidus (PS4_Moderate; PMID:19488606,10820168,7913579). Experiments showed that this variant exhibited a significant increase in intracellular cAMP levels during the transient expression in COS cells (PS3_Supporting, PMID: 16006591]. The variant is absent from the gnomAD population database (PM2_Supporting), and multiple in silico prediction tools suggest a deleterious effect on protein function (PP3). In summary, this variant meets criteria to be classified as likely pathogenic for diabetes insipidus, nephrogenic based on the ACMG/AMP criteria applied with the evidence: PS4_Moderate, PS3_Supporting, PM2_Supporting, PP3, PP4.

3billion
Classification: Likely pathogenic for Diabetes insipidus, nephrogenic, X-linked. Last evaluated: 2025-07-30. Review status: criteria provided, single submitter. Criteria: ACMG Guidelines, 2015. Collection method: clinical testing. Allele origin: germline. Affected: yes.
Comment: The variant is not observed in the gnomAD v4.1.0 dataset. Predicted Consequence/Location: Missense variant Functional studies provide strong evidence of the variant having a damaging effect on the gene or gene product (PMID: 16006591). The same nucleotide change resulting in the same amino acid change has been previously reported to be associated with AVPR2-related disorder (ClinVar ID: VCV000835351 /PMID: 7913579).Different missense changes at the same codon (p.Ser167Ala, p.Ser167Thr, p.Ser167Trp) have been reported to be associated with AVPR2-related disorder (PMID: 11793119, 29095814, 7999078). Therefore, this variant is classified as Likely pathogenic according to the recommendation of ACMG/AMP guideline.

Exeter Genomics Laboratory, Royal Devon University Healthcare NHS Foundation Trust
Classification: Likely pathogenic for Hereditary isolated diabetes insipidus. Last evaluated: 2025-06-05. Review status: no assertion criteria provided. Collection method: clinical testing. Allele origin: germline. Affected: yes. Not counted in ClinVar's aggregate classification.

Literature cited by the submitters: PubMed 7913579 (cited by Labcorp Genetics (formerly Invitae), Labcorp and 3billion); PubMed 10820168 (cited by Labcorp Genetics (formerly Invitae), Labcorp); PubMed 19488606 (cited by Labcorp Genetics (formerly Invitae), Labcorp); PubMed 16006591 (cited by Labcorp Genetics (formerly Invitae), Labcorp and 3billion); PubMed 19587238 (cited by Labcorp Genetics (formerly Invitae), Labcorp); PubMed 11793119 (cited by 3billion).